The following is an entry in ClinVar:

NM_001142966.3(GREB1L):c.4115_4118dup (p.Trp1373fs)

Gene: GREB1L (GREB1 like retinoic acid receptor coactivator; plus strand). Cytogenetic location: 18q11.2.
Variant type: Duplication.
Coding change: c.4115_4118dup on transcript NM_001142966.3 (MANE Select); coding-DNA positions 4115 to 4118, 4 bases duplicated (CCTG; older notation c.4115_4118dupCCTG).
Protein change: p.Trp1373fs; shifts the reading frame from tryptophan 1373.
Molecular consequence: frameshift variant.
Genome position (GRCh38, 1-based): chr18:21,505,454-21,505,457, CCTG duplicated. VCF-style (leftmost placement, unchanged base first): chr18-21505453-C-CCCTG. GRCh37 (hg19) VCF-style: chr18-19085414-C-CCCTG.
Other names: c.4244_4247dup, p.Trp1416Cysfs (NM_001410867.1); c.3788_3791dup, p.Trp1264Cysfs (NM_001410868.1); short protein forms W1373fs.
Identifiers: ClinVar variation 2084026 (VCV002084026.4), dbSNP rs2511917113, ClinGen allele CA2580095457.

ClinVar aggregate classification (germline): Pathogenic (1 of 4 stars; one submission).

Submission:

Labcorp Genetics (formerly Invitae), Labcorp
Classification: Pathogenic. Last evaluated: 2022-01-18. Review status: criteria provided, single submitter. Criteria: Invitae Variant Classification Sherloc (09022015). Collection method: clinical testing. Allele origin: germline.
Comment: For these reasons, this variant has been classified as Pathogenic. This variant has not been reported in the literature in individuals affected with GREB1L-related conditions. This variant is not present in population databases (gnomAD no frequency). This sequence change creates a premature translational stop signal (p.Trp1373Cysfs*4) in the GREB1L gene. It is expected to result in an absent or disrupted protein product. Loss-of-function variants in GREB1L are known to be pathogenic (PMID: 29100090, 29100091).

Literature cited by the submitters: PubMed 29100090; PubMed 29100091.